The following is an entry in ClinVar:

NM_000540.3(RYR1):c.7835+16C>T

Gene: RYR1 (ryanodine receptor 1; plus strand). Cytogenetic location: 19q13.2.
Variant type: single nucleotide variant.
Coding change: c.7835+16C>T on transcript NM_000540.3 (MANE Select); 16 bases into the intron after coding-DNA position 7835, C replaced by T.
Molecular consequence: intron variant.
Genome position (GRCh38, 1-based): chr19:38,502,743, C>T. VCF-style: chr19-38502743-C-T. GRCh37 (hg19) VCF-style: chr19-38993383-C-T.
Other names: c.7835+16C>T (NM_001042723.2).
Identifiers: ClinVar variation 386958 (VCV000386958.11), dbSNP rs547949606, ClinGen allele CA070389.

ClinVar aggregate classification (germline): Benign/Likely benign. Review status: criteria provided, multiple submitters, no conflicts (2 of 4 stars). 4 submissions from 4 submitters: Benign (1); Likely benign (2). 1 of the submissions does not count toward it. Last evaluated 2026-01-14.

Conditions:
RYR1-related disorder. Also called: RYR1-related condition; RYR1-related disorders. Identifiers: MedGen CN239331.

Allele frequency attached by ClinVar (database versions not stated): gnomAD 0.00011 and 0.00029; ExAC 0.00046; gnomAD exomes 0.00050; 1000 Genomes Project 0.00120.
gnomAD v4.1: 443 of 1,202,812 alleles (0.037%); highest among the groups gnomAD compares: South Asian, 0.31%; 5 homozygotes.

Submissions (4):

Labcorp Genetics (formerly Invitae), Labcorp
Classification: Benign for RYR1-related disorder. Last evaluated: 2026-01-14. Review status: criteria provided, single submitter. Criteria: Invitae Variant Classification Sherloc (09022015). Collection method: clinical testing. Allele origin: germline.

Blueprint Genetics
Classification: Likely benign. Last evaluated: 2024-05-23. Review status: criteria provided, single submitter. Criteria: ACMG Guidelines, 2015. Collection method: clinical testing. Allele origin: germline.

GeneDx
Classification: Likely benign. Last evaluated: 2017-12-21. Review status: criteria provided, single submitter. Criteria: GeneDx Variant Classification (06012015). Collection method: clinical testing. Allele origin: germline. Affected: yes.
Comment: This variant is considered likely benign or benign based on one or more of the following criteria: it is a conservative change, it occurs at a poorly conserved position in the protein, it is predicted to be benign by multiple in silico algorithms, and/or has population frequency not consistent with disease.

PreventionGenetics, part of Exact Sciences
Classification: Likely benign for RYR1-related condition. Last evaluated: 2020-02-26. Review status: no assertion criteria provided. Collection method: clinical testing. Allele origin: germline. Not counted in ClinVar's aggregate classification.
Comment: This variant is classified as likely benign based on ACMG/AMP sequence variant interpretation guidelines (Richards et al. 2015 PMID: 25741868, with internal and published modifications).